The following is an entry in ClinVar:

NM_032801.5(JAM3):c.174G>A (p.Ser58=)

Gene: JAM3 (junctional adhesion molecule 3; plus strand). Cytogenetic location: 11q25.
Variant type: single nucleotide variant.
Coding change: c.174G>A on transcript NM_032801.5 (MANE Select); coding-DNA position 174, G replaced by A.
Protein change: p.Ser58=; no amino-acid change (serine 58 retained).
Molecular consequence: synonymous variant.
Genome position (GRCh38, 1-based): chr11:134,140,688, G>A. VCF-style: chr11-134140688-G-A. GRCh37 (hg19) VCF-style: chr11-134010583-G-A.
Other names: c.174G>A, p.Ser58= (NM_001205329.2).
Identifiers: ClinVar variation 2184385 (VCV002184385.6), dbSNP rs752165082, ClinGen allele CA6369944.
Genomic context (GRCh38, chr11:134,140,688, plus strand): 5'-GAGAGCTCTTTTTCTTCTTTGCGTGTTAGGTGTGGAACTGTCTTGCATCATTACGGATTC[G>A]CAGACAAGTGACCCCAGGATCGAGTGGAAGAAAATTCAAGATGAACAAACCACATATGTG-3'
Protein context (NP_116190.3, residues 48-68): SVELSCIITD[Ser58=]QTSDPRIEWK

ClinVar aggregate classification (germline): Likely benign. Review status: criteria provided, single submitter (1 of 4 stars). 2 submissions from 2 submitters: Likely benign (1). 1 of the submissions does not count toward it. Last evaluated 2023-06-27.

Conditions:
JAM3-related disorder. Also called: JAM3-related condition.

Allele frequency attached by ClinVar (database versions not stated): gnomAD exomes 0.00001; ExAC 0.00002; gnomAD 0.00003; TOPMed 0.00003.
gnomAD v4.1: 20 of 1,613,020 alleles (0.0012%); highest among the groups gnomAD compares: African/African-American, 0.021%; no homozygotes.

Submissions (2):

Labcorp Genetics (formerly Invitae), Labcorp
Classification: Likely benign. Last evaluated: 2023-06-27. Review status: criteria provided, single submitter. Criteria: Invitae Variant Classification Sherloc (09022015). Collection method: clinical testing. Allele origin: germline.

PreventionGenetics, part of Exact Sciences
Classification: Likely benign for JAM3-related condition. Last evaluated: 2019-06-03. Review status: no assertion criteria provided. Collection method: clinical testing. Allele origin: germline. Not counted in ClinVar's aggregate classification.
Comment: This variant is classified as likely benign based on ACMG/AMP sequence variant interpretation guidelines (Richards et al. 2015 PMID: 25741868, with internal and published modifications).